The following is an entry in ClinVar:

NM_033641.4(COL4A6):c.5071T>G (p.Ter1691Glu)

Gene: COL4A6 (collagen type IV alpha 6 chain; minus strand). Cytogenetic location: Xq22.3.
Variant type: single nucleotide variant.
Coding change: c.5071T>G on transcript NM_033641.4 (MANE Select); coding-DNA position 5071, T replaced by G.
Protein change: p.Ter1691Glu.
Molecular consequence: stop lost.
Genome position (GRCh38, 1-based): chrX:108,157,002, A>C on the plus strand (T>G on the coding strand, the complement: COL4A6 is on the minus strand). VCF-style: chrX-108157002-A-C. GRCh37 (hg19) VCF-style: chrX-107400232-A-C.
Other names: *1692E; *1691E; *1708E; *1634E; *1667E; c.5122T>G, p.Ter1708Glu (NM_001287758.2); c.4999T>G, p.Ter1667Glu (NM_001287759.2); c.4900T>G, p.Ter1634Glu (NM_001287760.2); and 2 more.
Identifiers: ClinVar variation 191253 (VCV000191253.3), dbSNP rs769211787, ClinGen allele CA236362.

ClinVar aggregate classification (germline): Likely pathogenic. Review status: criteria provided, single submitter (1 of 4 stars). 2 submissions from 2 submitters: Likely pathogenic (1). 1 of the submissions does not count toward it.

Conditions:
COL4A6-related disorder. Also called: COL4A6-related condition.

Allele frequency attached by ClinVar (database versions not stated): ExAC 0.00007; gnomAD exomes 0.00003.

Submissions (2):

Genomic Medicine Center of Excellence, King Faisal Specialist Hospital and Research Centre
Classification: Likely pathogenic. Review status: criteria provided, single submitter. Criteria: ACMG Guidelines, 2015. Collection method: research. Allele origin: germline. Affected: yes.

PreventionGenetics, part of Exact Sciences
Classification: Likely benign for COL4A6-related condition. Last evaluated: 2023-05-02. Review status: no assertion criteria provided. Collection method: clinical testing. Allele origin: germline. Not counted in ClinVar's aggregate classification.
Comment: This variant is classified as likely benign based on ACMG/AMP sequence variant interpretation guidelines (Richards et al. 2015 PMID: 25741868, with internal and published modifications).